The following is an entry in ClinVar:

ClinVar aggregate classification (germline): Likely benign (1 of 4 stars; one submission).

Allele frequency attached by ClinVar (database versions not stated): 1000 Genomes Project 0.00140; 1000 Genomes Project 30x 0.00234; TOPMed 0.00464; gnomAD 0.00468.

Submission:

CeGaT Center for Human Genetics Tuebingen
Classification: Likely benign. Last evaluated: 2023-02-01. Review status: criteria provided, single submitter. Criteria: CeGaT Center For Human Genetics Tuebingen Variant Classification Criteria Version 2. Collection method: clinical testing. Allele origin: germline. Affected: yes. Observed: 1 variant allele.
Comment: CUL2: BS2

NC_000010.11:g.35100968A>G

Gene: CUL2 (cullin 2; minus strand). Cytogenetic location: 10p11.21.
Variant type: single nucleotide variant.
Genome position: GRCh38 VCF-style: chr10-35100968-A-G. GRCh37 (hg19) VCF-style: chr10-35389896-A-G.
Identifiers: ClinVar variation 2640405 (VCV002640405.24), dbSNP rs141944375, ClinGen allele CA205215504.
Genomic context (GRCh38, chr10:35,100,968, plus strand): 5'-CTGTGCTTTTCCTCTCTATATCACAGGGTTTTCTTTCCATGTCGCCATGGGTTTTCGTCC[A>G]TGTCCTTTGCCACCTGAGTTTTTCTCCCTTCTTCCCAGTCATTTCTGACCACTTGAGCCT-3'